The following is an entry in ClinVar:

ClinVar aggregate classification (germline): Uncertain significance (1 of 4 stars; one submission).

Conditions:
SEMA3C-related disorder. Also called: SEMA3C-related condition.

Submission:

PreventionGenetics, part of Exact Sciences
Classification: Uncertain significance for SEMA3C-related condition. Last evaluated: 2025-05-07. Review status: criteria provided, single submitter. Criteria: ACMG Guidelines, 2015. Collection method: clinical testing. Allele origin: germline.
Comment: The SEMA3C c.1563T>A variant is predicted to result in the amino acid substitution p.Asn521Lys. To our knowledge, this variant has not been reported in the literature or in a large population database (gnomAD), indicating this variant is rare. At this time, the clinical significance of this variant is uncertain due to the absence of conclusive functional and genetic evidence.

NM_006379.5(SEMA3C):c.1509T>A (p.Asn503Lys)

Gene: SEMA3C (semaphorin 3C; minus strand). Cytogenetic location: 7q21.11.
Variant type: single nucleotide variant.
Coding change: c.1509T>A on transcript NM_006379.5 (MANE Select); coding-DNA position 1509, T replaced by A.
Protein change: p.Asn503Lys; replaces asparagine 503 with lysine.
Molecular consequence: missense variant.
Genome position (GRCh38, 1-based): chr7:80,758,465, A>T on the plus strand (T>A on the coding strand, the complement: SEMA3C is on the minus strand). VCF-style: chr7-80758465-A-T. GRCh37 (hg19) VCF-style: chr7-80387781-A-T.
Other names: c.1563T>A, p.Asn521Lys (NM_001350120.2); c.1335T>A, p.Asn445Lys (NM_001350121.2); short protein forms N445K, N521K, N503K.
Identifiers: ClinVar variation 5001854 (VCV005001854.1).